The following is an entry in ClinVar:

NM_213622.4(STAMBP):c.218A>G (p.Lys73Arg)

Gene: STAMBP (STAM binding protein; plus strand). Cytogenetic location: 2p13.1.
Variant type: single nucleotide variant.
Coding change: c.218A>G on transcript NM_213622.4 (MANE Select); coding-DNA position 218, A replaced by G.
Protein change: p.Lys73Arg; replaces lysine 73 with arginine.
Molecular consequence: missense variant. On other transcripts: non-coding transcript variant (4), 5 prime UTR variant (6).
Genome position (GRCh38, 1-based): chr2:73,844,827, A>G. VCF-style: chr2-73844827-A-G. GRCh37 (hg19) VCF-style: chr2-74071954-A-G.
Other names: c.218A>G, p.Lys73Arg (NM_001353967.2, NM_006463.6, NM_201647.4 and 3 more transcripts); c.-336A>G (NM_001353971.2, NM_001353973.2, NM_001353974.2 and 2 more transcripts); c.-188A>G (NM_001353972.2); short protein forms K73R.
Identifiers: ClinVar variation 1034281 (VCV001034281.6), dbSNP rs192721019, ClinGen allele CA1717473.

ClinVar aggregate classification (germline): Conflicting classifications of pathogenicity. Review status: criteria provided, conflicting classifications (1 of 4 stars). 2 submissions from 2 submitters: Uncertain significance (1); Likely benign (1). Last evaluated 2025-10-26.

Conditions:
Microcephaly-capillary malformation syndrome (MICCAP). Identifiers: Orphanet 294016, MedGen C3280296, MONDO:0013659, OMIM 614261.

Allele frequency attached by ClinVar (database versions not stated): gnomAD 0.00009; 1000 Genomes Project 30x 0.00016; 1000 Genomes Project 0.00020; TOPMed 0.00023; ExAC 0.00041.
gnomAD v4.1: 121 of 1,614,024 alleles (0.0075%); highest among the groups gnomAD compares: East Asian, 0.25%; no homozygotes.

Submissions (2):

Labcorp Genetics (formerly Invitae), Labcorp
Classification: Likely benign. Last evaluated: 2025-10-26. Review status: criteria provided, single submitter. Criteria: Invitae Variant Classification Sherloc (09022015). Collection method: clinical testing. Allele origin: germline.

Baylor Genetics
Classification: Uncertain significance for Microcephaly-capillary malformation syndrome. Last evaluated: 2018-05-08. Review status: criteria provided, single submitter. Criteria: ACMG Guidelines, 2015. Collection method: clinical testing. Allele origin: unknown. Affected: yes.
Comment: This variant was determined to be of uncertain significance according to ACMG Guidelines, 2015 [PMID:25741868].